The following is an entry in ClinVar:

ClinVar aggregate classification (germline): Uncertain significance. Review status: criteria provided, multiple submitters, no conflicts (2 of 4 stars). 3 submissions from 3 submitters: Uncertain significance (3). Last evaluated 2024-03-07.

Conditions:
Hereditary cancer-predisposing syndrome. Also called: Hereditary Cancer Syndrome; Neoplastic Syndromes, Hereditary; Hereditary neoplastic syndrome; Tumor predisposition. Identifiers: Orphanet 140162, MedGen C0027672, MeSH D009386, MONDO:0015356.
Familial cancer of breast. Also called: BREAST CANCER, FAMILIAL; Hereditary breast cancer; hereditary breast carcinoma. Identifiers: Orphanet 227535, MedGen C0346153, MONDO:0016419, OMIM 114480. Disease mechanism: loss of function.

gnomAD v4.1: 1 of 1,614,084 alleles (0.000062%); highest among the groups gnomAD compares: Non-Finnish European, 0.000085%; no homozygotes.

Submissions (3):

Labcorp Genetics (formerly Invitae), Labcorp
Classification: Uncertain significance for Familial cancer of breast. Last evaluated: 2024-03-07. Review status: criteria provided, single submitter. Criteria: Invitae Variant Classification Sherloc (09022015). Collection method: clinical testing. Allele origin: germline.
Comment: This sequence change replaces glutamic acid, which is acidic and polar, with lysine, which is basic and polar, at codon 149 of the CHEK2 protein (p.Glu149Lys). This variant is not present in population databases (gnomAD no frequency). This variant has not been reported in the literature in individuals affected with CHEK2-related conditions. ClinVar contains an entry for this variant (Variation ID: 142579). An algorithm developed to predict the effect of missense changes on protein structure and function (PolyPhen-2) suggests that this variant is likely to be disruptive. In summary, the available evidence is currently insufficient to determine the role of this variant in disease. Therefore, it has been classified as a Variant of Uncertain Significance.

Institute of Human Genetics, University of Leipzig Medical Center
Classification: Uncertain significance for Familial cancer of breast. Last evaluated: 2024-02-07. Review status: criteria provided, single submitter. Criteria: ACMG Guidelines, 2015. Collection method: clinical testing. Allele origin: unknown. Inheritance: Autosomal dominant inheritance. Affected: yes.
Comment: Criteria applied: PM2_SUP,PP3

Ambry Genetics
Classification: Uncertain significance for Hereditary cancer-predisposing syndrome. Last evaluated: 2023-12-04. Review status: criteria provided, single submitter. Criteria: Ambry Variant Classification Scheme 2023. Collection method: clinical testing. Allele origin: germline.
Comment: The p.E149K variant (also known as c.445G>A) is located in coding exon 3 of the CHEK2 gene. The glutamic acid at codon 149 is replaced by lysine, an amino acid with similar properties. This change occurs in the first base pair of coding exon 3. This amino acid position is highly conserved in available vertebrate species. In addition, this alteration is predicted to be deleterious by in silico analysis. Since supporting evidence is limited at this time, the clinical significance of this alteration remains unclear.

NM_007194.4(CHEK2):c.445G>A (p.Glu149Lys)

Gene: CHEK2 (checkpoint kinase 2; minus strand). Cytogenetic location: 22q12.1.
Variant type: single nucleotide variant.
Coding change: c.445G>A on transcript NM_007194.4 (MANE Select); coding-DNA position 445, G replaced by A.
Protein change: p.Glu149Lys; replaces glutamic acid 149 with lysine.
Molecular consequence: missense variant. On other transcripts: 5 prime UTR variant (2), intron variant (1).
Genome position (GRCh38, 1-based): chr22:28,725,124, C>T on the plus strand (G>A on the coding strand, the complement: CHEK2 is on the minus strand). VCF-style: chr22-28725124-C-T. GRCh37 (hg19) VCF-style: chr22-29121112-C-T.
Other names: c.574G>A, p.Glu192Lys (NM_001005735.3, NM_001438294.1); c.-333G>A (NM_001257387.3); c.-219G>A (NM_001437942.1); c.538G>A, p.Glu180Lys (NM_001438293.1, NM_001438295.1); c.445G>A, p.Glu149Lys (NM_145862.3); c.444+119G>A (NM_001349956.3); short protein forms E149K, E192K, E180K.
Identifiers: ClinVar variation 142579 (VCV000142579.16), dbSNP rs587782560, ClinGen allele CA168749.
Genomic context (GRCh38, chr22:28,725,124, plus strand): 5'-AGGTTCCATTGCCACTGTGATCTTCTATGTATGCAATGTAAGAGTTTTTAGGACCCACTT[C>T]CTAAAATAGAGAACATTTTGTTTCAGACTTTGAATAGCAGAGATTTATAGTGGGAAAATA-3'
Protein context (NP_009125.1, residues 139-159): YSKKHFRIFR[Glu149Lys]VGPKNSYIAY